The following is an entry in ClinVar:

NM_032242.4(PLXNA1):c.2061A>G (p.Thr687=)

Gene: PLXNA1 (plexin A1; plus strand). Cytogenetic location: 3q21.3.
Variant type: single nucleotide variant.
Coding change: c.2061A>G on transcript NM_032242.4 (MANE Select); coding-DNA position 2061, A replaced by G.
Protein change: p.Thr687=; no amino-acid change (threonine 687 retained).
Molecular consequence: synonymous variant.
Genome position (GRCh38, 1-based): chr3:127,007,862, A>G. VCF-style: chr3-127007862-A-G. GRCh37 (hg19) VCF-style: chr3-126726705-A-G.
Other names: c.2061A>G (NM_032242.3).
Identifiers: ClinVar variation 1600811 (VCV001600811.11), dbSNP rs9876615, ClinGen allele CA2593484.

ClinVar aggregate classification (germline): Benign. Review status: criteria provided, multiple submitters, no conflicts (2 of 4 stars). 3 submissions from 3 submitters: Benign (2). 1 of the submissions does not count toward it. Last evaluated 2026-02-01.

Conditions:
PLXNA1-related disorder. Also called: PLXNA1-related condition.

Allele frequency attached by ClinVar (database versions not stated): gnomAD 0.11318 and 0.10984; TOPMed 0.10350; ESP Exome Variant Server 0.10749; gnomAD exomes 0.12029; 1000 Genomes Project 30x 0.14866; 1000 Genomes Project 0.15355.
gnomAD v4.1: 192,871 of 1,612,004 alleles (12%); highest among the groups gnomAD compares: South Asian, 21%; 12,696 homozygotes.

Submissions (3):

Labcorp Genetics (formerly Invitae), Labcorp
Classification: Benign. Last evaluated: 2026-02-01. Review status: criteria provided, single submitter. Criteria: Invitae Variant Classification Sherloc (09022015). Collection method: clinical testing. Allele origin: germline.

Breakthrough Genomics
Classification: Benign. Review status: criteria provided, single submitter. Criteria: ACMG Guidelines, 2015. Collection method: not provided. Allele origin: germline. Inheritance: Autosomal recessive inheritance. Affected: yes.

PreventionGenetics, part of Exact Sciences
Classification: Benign for PLXNA1-related condition. Last evaluated: 2019-10-21. Review status: no assertion criteria provided. Collection method: clinical testing. Allele origin: germline. Not counted in ClinVar's aggregate classification.
Comment: This variant is classified as benign based on ACMG/AMP sequence variant interpretation guidelines (Richards et al. 2015 PMID: 25741868, with internal and published modifications).